The following is an entry in ClinVar:

ClinVar aggregate classification (germline): Conflicting classifications of pathogenicity. Review status: criteria provided, conflicting classifications (1 of 4 stars). 4 submissions from 4 submitters: Likely pathogenic (2); Uncertain significance (2). Last evaluated 2026-01-24.

Conditions:
MTTP-related disorder. Also called: MTTP-related condition.
Abetalipoproteinaemia (ABL). Also called: MTP DEFICIENCY; Abetalipoproteinemia; Abetalipoproteinemia neuropathy; Apolipoprotein B deficiency; Congenital betalipoprotein deficiency syndrome. Identifiers: Orphanet 14, MedGen C0000744, MONDO:0008692, OMIM 200100, HP:0008181.

Allele frequency attached by ClinVar (database versions not stated): gnomAD 0.00001; TOPMed 0.00001; ExAC 0.00002; gnomAD exomes 0.00002.
gnomAD v4.1: 24 of 1,614,062 alleles (0.0015%); highest among the groups gnomAD compares: African/African-American, 0.0027%; 1 homozygote.

Submissions (4):

Natera, Inc.
Classification: Likely pathogenic for Abetalipoproteinemia. Last evaluated: 2026-01-24. Review status: criteria provided, single submitter. Criteria: Natera Variant Classification Schema (03/2026). Collection method: clinical testing. Allele origin: germline.
Comment: The c.1691T>C variant in MTTP is a missense variant predicted to cause substitution of isoleucine to threonine at amino acid 564. This variant is rare in the general population with a frequency below the threshold expected for the associated phenotype(s). This variant has been observed in one or more individuals affected with the associated recessive disease, as either homozygous or compound heterozygous with a second variant (PMID: 30782561, 37484212, 16143868). Additionally, this variant has been observed to segregate in affected family members (PMID: 37484212). Functional studies show that this variant may disrupt protein function (PMID: 37484212). Computational prediction algorithms indicate this variant is likely to affect gene or protein function. Given the available evidence, this variant is classified as Likely Pathogenic.

Blueprint Genetics
Classification: Likely pathogenic for MTTP-related disorders. Last evaluated: 2024-11-21. Review status: criteria provided, single submitter. Criteria: ACMG Guidelines, 2015. Collection method: clinical testing. Allele origin: germline. Affected: yes. Observed: 4 variant alleles.

Labcorp Genetics (formerly Invitae), Labcorp
Classification: Uncertain significance. Last evaluated: 2022-08-21. Review status: criteria provided, single submitter. Criteria: Invitae Variant Classification Sherloc (09022015). Collection method: clinical testing. Allele origin: germline.
Comment: This sequence change replaces isoleucine, which is neutral and non-polar, with threonine, which is neutral and polar, at codon 564 of the MTTP protein (p.Ile564Thr). This variant is present in population databases (rs745447480, gnomAD 0.004%). This missense change has been observed in individual(s) with clinical features of MTTP-related conditions (PMID: 16143868, 30782561, 32041611). ClinVar contains an entry for this variant (Variation ID: 1683235). Algorithms developed to predict the effect of missense changes on protein structure and function are either unavailable or do not agree on the potential impact of this missense change (SIFT: "Tolerated"; PolyPhen-2: "Possibly Damaging"; Align-GVGD: "Class C0"). In summary, the available evidence is currently insufficient to determine the role of this variant in disease. Therefore, it has been classified as a Variant of Uncertain Significance.

Women's Health and Genetics/Laboratory Corporation of America, LabCorp
Classification: Uncertain significance. Last evaluated: 2022-04-19. Review status: criteria provided, single submitter. Criteria: LabCorp Variant Classification Summary - May 2015. Collection method: clinical testing. Allele origin: germline.
Comment: Variant summary: MTTP c.1691T>C (p.Ile564Thr) results in a non-conservative amino acid change located in the Vitellogenin, N-terminal domain (IPR001747) of the encoded protein sequence. Four of five in-silico tools predict a damaging effect of the variant on protein function. The variant allele was found at a frequency of 1.6e-05 in 251024 control chromosomes (gnomAD). c.1691T>C has been reported in the literature in individuals affected with Abetalipoproteinaemia (Bassen-Kornzweig Syndrome, Sakamoto_2006) and Hypobetalipoproteinemia (Blanco-Vaca_2019). These data indicate that the variant may be associated with disease. To our knowledge, no experimental evidence demonstrating an impact on protein function has been reported. No clinical diagnostic laboratories have submitted clinical-significance assessments for this variant to ClinVar after 2014. Based on the evidence outlined above, the variant was classified as VUS-possibly pathogenic.

Literature cited by the submitters: PubMed 30782561 (cited by 3 submitters); PubMed 37484212 (cited by Natera, Inc.); PubMed 16143868 (cited by 3 submitters); PubMed 32041611 (cited by Labcorp Genetics (formerly Invitae), Labcorp and Women's Health and Genetics/Laboratory Corporation of America, LabCorp).

NM_001386140.1(MTTP):c.1691T>C (p.Ile564Thr)

Gene: MTTP (microsomal triglyceride transfer protein; plus strand). Cytogenetic location: 4q23.
Variant type: single nucleotide variant.
Coding change: c.1691T>C on transcript NM_001386140.1 (MANE Select); coding-DNA position 1691, T replaced by C.
Protein change: p.Ile564Thr; replaces isoleucine 564 with threonine.
Molecular consequence: missense variant.
Genome position (GRCh38, 1-based): chr4:99,608,899, T>C. VCF-style: chr4-99608899-T-C. GRCh37 (hg19) VCF-style: chr4-100530056-T-C.
Other names: c.1691T>C, p.Ile564Thr (NM_000253.4); c.1442T>C, p.Ile481Thr (NM_001300785.2); short protein forms I481T, I564T.
Identifiers: ClinVar variation 1683235 (VCV001683235.5), dbSNP rs745447480, ClinGen allele CA3022156.